The following is an entry in ClinVar:

NM_001267550.2(TTN):c.70036C>T (p.Leu23346=)

Genes: TTN (titin; minus strand), TTN-AS1 (TTN antisense RNA 1; plus strand), LOC126806422 (BRD4-independent group 4 enhancer GRCh37_chr2:179440205-179441404; plus strand). Cytogenetic location: 2q31.2.
Variant type: single nucleotide variant.
Coding change: c.70036C>T on transcript NM_001267550.2 (MANE Select); coding-DNA position 70036, C replaced by T.
Protein change: p.Leu23346=; no amino-acid change (leucine 23346 retained).
Molecular consequence: synonymous variant.
Genome position (GRCh38, 1-based): chr2:178,576,096, G>A on the plus strand (C>T on the coding strand, the complement: TTN is on the minus strand). VCF-style: chr2-178576096-G-A. GRCh37 (hg19) VCF-style: chr2-179440823-G-A.
Other names: c.62332C>T, p.Leu20778= (NM_133378.4); c.65113C>T, p.Leu21705= (NM_001256850.1); c.42841C>T, p.Leu14281= (NM_003319.4); c.43216C>T, p.Leu14406= (NM_133432.3); c.43417C>T, p.Leu14473= (NM_133437.4); c.70036C>T (NM_001267550.1).
Identifiers: ClinVar variation 47281 (VCV000047281.21), dbSNP rs397517681, ClinGen allele CA140558.
Genomic context (GRCh38, chr2:178,576,096, plus strand): 5'-CAAATATCCTAATACTGAGTCCTGCTCTAACAACAAGTGTTCTTCGAAGCTCGGCATCTA[G>A]TTCAAAATCAGGAGCCATCTCCCGTTCTACGATTTCAACATCTGGAATCACCGCTGGCTC-3'
Protein context (NP_001254479.2, residues 23336-23356): VEREMAPDFE[Leu23346=]DAELRRTLVV

ClinVar aggregate classification (germline): Likely benign. Review status: criteria provided, multiple submitters, no conflicts (2 of 4 stars). 6 submissions from 6 submitters: Likely benign (6). Last evaluated 2025-10-12.

Conditions:
TTN-related disorder. Also called: TTN-related condition; TTN-related disease; TTN-related disorders.
Cardiovascular phenotype. Identifiers: MedGen CN230736.
Autosomal recessive limb-girdle muscular dystrophy type 2J (LGMDR10). Also called: Limb-girdle muscular dystrophy, type 2J; MUSCULAR DYSTROPHY, LIMB-GIRDLE, AUTOSOMAL RECESSIVE 10. Identifiers: Orphanet 140922, MedGen C1837342, MONDO:0012127, OMIM 608807.
Dilated cardiomyopathy 1G (CMD1G). Identifiers: Orphanet 154, MedGen C1858763, MONDO:0011400, OMIM 604145.

Allele frequency attached by ClinVar (database versions not stated): gnomAD exomes below 0.00001; gnomAD 0.00004; TOPMed 0.00014.
gnomAD v4.1: 13 of 1,613,342 alleles (0.00081%); highest among the groups gnomAD compares: Admixed American, 0.012%; no homozygotes.

Submissions (6):

Labcorp Genetics (formerly Invitae), Labcorp
Classification: Likely benign for Dilated cardiomyopathy 1G; Autosomal recessive limb-girdle muscular dystrophy type 2J. Last evaluated: 2025-10-12. Review status: criteria provided, single submitter. Criteria: Invitae Variant Classification Sherloc (09022015). Collection method: clinical testing. Allele origin: germline.

PreventionGenetics, part of Exact Sciences
Classification: Likely benign for TTN-related condition. Last evaluated: 2025-07-09. Review status: criteria provided, single submitter. Criteria: ACMG Guidelines, 2015. Collection method: clinical testing. Allele origin: germline.
Comment: This variant is classified as likely benign based on ACMG/AMP sequence variant interpretation guidelines (Richards et al. 2015 PMID: 25741868, with internal and published modifications).

Ambry Genetics
Classification: Likely benign for Cardiovascular phenotype. Last evaluated: 2025-07-03. Review status: criteria provided, single submitter. Criteria: Ambry Variant Classification Scheme 2023. Collection method: clinical testing. Allele origin: germline.

Athena Diagnostics
Classification: Likely benign. Last evaluated: 2023-11-01. Review status: criteria provided, single submitter. Criteria: Athena Diagnostics Criteria. Collection method: clinical testing. Allele origin: unknown.

GeneDx
Classification: Likely benign. Last evaluated: 2019-07-16. Review status: criteria provided, single submitter. Criteria: GeneDx Variant Classification Process June 2021. Collection method: clinical testing. Allele origin: germline. Affected: yes.

Laboratory for Molecular Medicine, Mass General Brigham Personalized Medicine
Classification: Likely benign. Last evaluated: 2012-05-22. Review status: criteria provided, single submitter. Criteria: LMM Criteria. Collection method: clinical testing. Allele origin: germline. Observed: 1 variant allele.
Comment: Leu20778Leu in exon 275 of TTN: This variant is not expected to have clinical si gnificance because it does not alter an amino acid residue and is not located wi thin the splice consensus sequence. Leu20778Leu in exon 275 of TTN (allele freq uency = n/a)